The following is an entry in ClinVar:

NM_000136.3(FANCC):c.203G>T (p.Gly68Val)

Gene: FANCC (FA complementation group C; minus strand). Cytogenetic location: 9q22.32.
Variant type: single nucleotide variant.
Coding change: c.203G>T on transcript NM_000136.3 (MANE Select); coding-DNA position 203, G replaced by T.
Protein change: p.Gly68Val; replaces glycine 68 with valine.
Molecular consequence: missense variant.
Genome position (GRCh38, 1-based): chr9:95,247,479, C>A on the plus strand (G>T on the coding strand, the complement: FANCC is on the minus strand). VCF-style: chr9-95247479-C-A. GRCh37 (hg19) VCF-style: chr9-98009761-C-A.
Other names: c.203G>T, p.Gly68Val (NM_001243743.2, NM_001243744.2); short protein forms G68V.
Identifiers: ClinVar variation 2585987 (VCV002585987.2), dbSNP rs769200374, ClinGen allele CA374340087.

ClinVar aggregate classification (germline): Uncertain significance (1 of 4 stars; one submission).

Conditions:
Hereditary cancer-predisposing syndrome. Also called: Hereditary neoplastic syndrome; Tumor predisposition; Hereditary Cancer Syndrome; Neoplastic Syndromes, Hereditary. Identifiers: Orphanet 140162, MedGen C0027672, MeSH D009386, MONDO:0015356.

Submission:

Ambry Genetics
Classification: Uncertain significance for Hereditary cancer-predisposing syndrome. Last evaluated: 2023-09-01. Review status: criteria provided, single submitter. Criteria: Ambry Variant Classification Scheme 2023. Collection method: clinical testing. Allele origin: germline.
Comment: The p.G68V variant (also known as c.203G>T), located in coding exon 2 of the FANCC gene, results from a G to T substitution at nucleotide position 203. The glycine at codon 68 is replaced by valine, an amino acid with dissimilar properties. This amino acid position is conserved. In addition, the in silico prediction for this alteration is inconclusive. Since supporting evidence is limited at this time, the clinical significance of this alteration remains unclear.